The following is an entry in ClinVar:

NM_182914.3(SYNE2):c.16528A>C (p.Lys5510Gln)

Gene: SYNE2 (spectrin repeat containing nuclear envelope protein 2; plus strand). Cytogenetic location: 14q23.2.
Variant type: single nucleotide variant.
Coding change: c.16528A>C on transcript NM_182914.3 (MANE Select); coding-DNA position 16528, A replaced by C.
Protein change: p.Lys5510Gln; replaces lysine 5510 with glutamine.
Molecular consequence: missense variant.
Genome position (GRCh38, 1-based): chr14:64,165,333, A>C. VCF-style: chr14-64165333-A-C. GRCh37 (hg19) VCF-style: chr14-64632051-A-C.
Other names: c.16528A>C, p.Lys5510Gln (NM_015180.6); short protein forms K5510Q.
Identifiers: ClinVar variation 2644304 (VCV002644304.24), dbSNP rs764474477, ClinGen allele CA7223403.

ClinVar aggregate classification (germline): Uncertain significance (1 of 4 stars; one submission).

Allele frequency attached by ClinVar (database versions not stated): gnomAD exomes below 0.00001; TOPMed below 0.00001; gnomAD 0.00001; ExAC 0.00002.
gnomAD v4.1: 7 of 1,613,886 alleles (0.00043%); highest among the groups gnomAD compares: Non-Finnish European, 0.00059%; no homozygotes.

Submission:

CeGaT Center for Human Genetics Tuebingen
Classification: Uncertain significance. Last evaluated: 2023-08-01. Review status: criteria provided, single submitter. Criteria: CeGaT Center For Human Genetics Tuebingen Variant Classification Criteria Version 2. Collection method: clinical testing. Allele origin: germline. Affected: yes. Observed: 1 variant allele.
Comment: SYNE2: PM2:Supporting, BP4